The following is an entry in ClinVar:

NM_006767.4(LZTR1):c.2188G>C (p.Gly730Arg)

Gene: LZTR1 (leucine zipper like post translational regulator 1; plus strand). Cytogenetic location: 22q11.21.
Variant type: single nucleotide variant.
Coding change: c.2188G>C on transcript NM_006767.4 (MANE Select); coding-DNA position 2188, G replaced by C.
Protein change: p.Gly730Arg; replaces glycine 730 with arginine.
Molecular consequence: missense variant.
Genome position (GRCh38, 1-based): chr22:20,996,081, G>C. VCF-style: chr22-20996081-G-C. GRCh37 (hg19) VCF-style: chr22-21350370-G-C.
Other names: short protein forms G730R.
Identifiers: ClinVar variation 2497783 (VCV002497783.1), dbSNP rs199625022, ClinGen allele CA410779991.

ClinVar aggregate classification (germline): Uncertain significance (1 of 4 stars; one submission).

Submission:

GeneDx
Classification: Uncertain significance. Last evaluated: 2022-10-03. Review status: criteria provided, single submitter. Criteria: GeneDx Variant Classification Process June 2021. Collection method: clinical testing. Allele origin: germline. Affected: yes.
Comment: Not observed at significant frequency in large population cohorts (gnomAD); In silico analysis supports that this missense variant has a deleterious effect on protein structure/function; Has not been previously published as pathogenic or benign to our knowledge